The following is an entry in ClinVar:

ClinVar aggregate classification (germline): Uncertain significance (1 of 4 stars; one submission).

Submission:

Ambry Genetics
Classification: Uncertain significance. Last evaluated: 2026-05-14. Review status: criteria provided, single submitter. Criteria: Ambry Variant Classification Scheme 2023. Collection method: clinical testing. Allele origin: germline.
Comment: The p.K1674E variant (also known as c.5020A>G), located in coding exon 44 of the KIF1B gene, results from an A to G substitution at nucleotide position 5020. The lysine at codon 1674 is replaced by glutamic acid, an amino acid with similar properties. This amino acid position is conserved. In addition, the in silico prediction for this alteration is inconclusive. Based on the available evidence, the clinical significance of this variant remains unclear.

NM_001365951.3(KIF1B):c.5158A>G (p.Lys1720Glu)

Gene: KIF1B (kinesin family member 1B; plus strand). Cytogenetic location: 1p36.22.
Variant type: single nucleotide variant.
Coding change: c.5158A>G on transcript NM_001365951.3 (MANE Select); coding-DNA position 5158, A replaced by G.
Protein change: p.Lys1720Glu; replaces lysine 1720 with glutamic acid.
Molecular consequence: missense variant.
Genome position (GRCh38, 1-based): chr1:10,374,915, A>G. VCF-style: chr1-10374915-A-G. GRCh37 (hg19) VCF-style: chr1-10434973-A-G.
Other names: c.5158A>G, p.Lys1720Glu (NM_001365952.1); c.5020A>G, p.Lys1674Glu (NM_015074.3); short protein forms K1674E, K1720E.
Identifiers: ClinVar variation 4858861 (VCV004858861.1).